The following is an entry in ClinVar:

NM_013275.6(ANKRD11):c.4453C>G (p.Leu1485Val)

Gene: ANKRD11 (ankyrin repeat domain 11; minus strand). Cytogenetic location: 16q24.3.
Variant type: single nucleotide variant.
Coding change: c.4453C>G on transcript NM_013275.6 (MANE Select); coding-DNA position 4453, C replaced by G.
Protein change: p.Leu1485Val; replaces leucine 1485 with valine.
Molecular consequence: missense variant.
Genome position (GRCh38, 1-based): chr16:89,282,089, G>C on the plus strand (C>G on the coding strand, the complement: ANKRD11 is on the minus strand). VCF-style: chr16-89282089-G-C. GRCh37 (hg19) VCF-style: chr16-89348497-G-C.
Other names: c.4453C>G (NM_013275.4, NM_013275.5); c.4453C>G, p.Leu1485Val (NM_001256182.2, NM_001256183.2); short protein forms L1485V.
Identifiers: ClinVar variation 2164027 (VCV002164027.9), dbSNP rs770463986, ClinGen allele CA8242108.

ClinVar aggregate classification (germline): Uncertain significance. Review status: criteria provided, multiple submitters, no conflicts (2 of 4 stars). 3 submissions from 3 submitters: Uncertain significance (3). Last evaluated 2023-08-09.

Conditions:
Inborn genetic diseases. Identifiers: MedGen C0950123, MeSH D030342.
KBG syndrome (KBGS). Also called: ANKRD11-Related KBG Syndrome. Identifiers: Orphanet 2332, MedGen C0220687, MONDO:0007846, OMIM 148050.

Allele frequency attached by ClinVar (database versions not stated): gnomAD exomes below 0.00001; ExAC 0.00001; gnomAD 0.00001; TOPMed 0.00003.
gnomAD v4.1: 7 of 1,613,722 alleles (0.00043%); highest among the groups gnomAD compares: African/African-American, 0.0094%; no homozygotes.

Submissions (3):

Labcorp Genetics (formerly Invitae), Labcorp
Classification: Uncertain significance for KBG syndrome. Last evaluated: 2023-08-09. Review status: criteria provided, single submitter. Criteria: Invitae Variant Classification Sherloc (09022015). Collection method: clinical testing. Allele origin: germline.
Comment: In summary, the available evidence is currently insufficient to determine the role of this variant in disease. Therefore, it has been classified as a Variant of Uncertain Significance. This sequence change replaces leucine, which is neutral and non-polar, with valine, which is neutral and non-polar, at codon 1485 of the ANKRD11 protein (p.Leu1485Val). This variant is present in population databases (rs770463986, gnomAD 0.007%). This variant has not been reported in the literature in individuals affected with ANKRD11-related conditions. ClinVar contains an entry for this variant (Variation ID: 2164027). Advanced modeling of protein sequence and biophysical properties (such as structural, functional, and spatial information, amino acid conservation, physicochemical variation, residue mobility, and thermodynamic stability) performed at Invitae indicates that this missense variant is not expected to disrupt ANKRD11 protein function.

Ambry Genetics
Classification: Uncertain significance for Inborn genetic diseases. Last evaluated: 2023-01-20. Review status: criteria provided, single submitter. Criteria: Ambry Variant Classification Scheme 2023. Collection method: clinical testing. Allele origin: germline.

Revvity Omics, Revvity
Classification: Uncertain significance for KBG syndrome. Last evaluated: 2021-01-27. Review status: criteria provided, single submitter. Criteria: ACMG Guidelines, 2015. Collection method: clinical testing. Allele origin: germline.